The following is an entry in ClinVar:

ClinVar aggregate classification (germline): Likely benign (1 of 4 stars; one submission).

gnomAD v4.1: 4 of 398,630 alleles (0.001%); highest among the groups gnomAD compares: African/African-American, 0.0021%; no homozygotes.

Submission:

CeGaT Center for Human Genetics Tuebingen
Classification: Likely benign. Last evaluated: 2024-12-01. Review status: criteria provided, single submitter. Criteria: CeGaT Center For Human Genetics Tuebingen Variant Classification Criteria Version 2. Collection method: clinical testing. Allele origin: germline. Affected: yes. Observed: 1 variant allele.
Comment: KCNQ1OT1: BS2

NM_000218.3(KCNQ1):c.1514+25319G>C

Genes: KCNQ1 (potassium voltage-gated channel subfamily Q member 1; plus strand), KCNQ1OT1 (KCNQ1 opposite strand/antisense transcript 1; minus strand). Cytogenetic location: 11p15.5.
Variant type: single nucleotide variant.
Coding change: c.1514+25319G>C on transcript NM_000218.3 (MANE Select); 25319 bases into the intron after coding-DNA position 1514, G replaced by C.
Molecular consequence: intron variant. On other transcripts: non-coding transcript variant (1).
Genome position (GRCh38, 1-based): chr11:2,687,400, G>C. VCF-style: chr11-2687400-G-C. GRCh37 (hg19) VCF-style: chr11-2708630-G-C.
Other names: c.1244+25319G>C (NM_001406837.1); c.1418+25319G>C (NM_001406836.1); c.974+25319G>C (NM_001406838.1); c.1133+25319G>C (NM_181798.2).
Identifiers: ClinVar variation 3772151 (VCV003772151.13).